The following is an entry in ClinVar:

NM_024422.6(DSC2):c.788G>A (p.Gly263Glu)

Gene: DSC2 (desmocollin 2; minus strand). Cytogenetic location: 18q12.1.
Variant type: single nucleotide variant.
Coding change: c.788G>A on transcript NM_024422.6 (MANE Select); coding-DNA position 788, G replaced by A.
Protein change: p.Gly263Glu; replaces glycine 263 with glutamic acid.
Molecular consequence: missense variant.
Genome position (GRCh38, 1-based): chr18:31,086,730, C>T on the plus strand (G>A on the coding strand, the complement: DSC2 is on the minus strand). VCF-style: chr18-31086730-C-T. GRCh37 (hg19) VCF-style: chr18-28666693-C-T.
Other names: c.359G>A, p.Gly120Glu (NM_001406506.1, NM_001406507.1); c.788G>A, p.Gly263Glu (NM_004949.5); short protein forms G263E, G120E.
Identifiers: ClinVar variation 3687451 (VCV003687451.2).

ClinVar aggregate classification (germline): Uncertain significance (1 of 4 stars; one submission).

Conditions:
Arrhythmogenic right ventricular dysplasia 11. Also called: ARRHYTHMOGENIC RIGHT VENTRICULAR DYSPLASIA, FAMILIAL, 11; Arrhythmogenic Right Ventricular Dysplasia/Cardiomyopathy11; Arrhythmogenic right ventricular dysplasia 11 with mild palmoplantar keratoderma and woolly hair. Identifiers: MedGen C1864850, MONDO:0012506, OMIM 610476.

Submission:

Labcorp Genetics (formerly Invitae), Labcorp
Classification: Uncertain significance for Arrhythmogenic right ventricular dysplasia 11. Last evaluated: 2024-12-24. Review status: criteria provided, single submitter. Criteria: Invitae Variant Classification Sherloc (09022015). Collection method: clinical testing. Allele origin: germline.
Comment: This sequence change replaces glycine, which is neutral and non-polar, with glutamic acid, which is acidic and polar, at codon 263 of the DSC2 protein (p.Gly263Glu). This variant is not present in population databases (gnomAD no frequency). This variant has not been reported in the literature in individuals affected with DSC2-related conditions. Invitae Evidence Modeling of protein sequence and biophysical properties (such as structural, functional, and spatial information, amino acid conservation, physicochemical variation, residue mobility, and thermodynamic stability) indicates that this missense variant is expected to disrupt DSC2 protein function with a positive predictive value of 80%. In summary, the available evidence is currently insufficient to determine the role of this variant in disease. Therefore, it has been classified as a Variant of Uncertain Significance.